The following is an entry in ClinVar:

ClinVar aggregate classification (germline): Likely pathogenic. Review status: criteria provided, multiple submitters, no conflicts (2 of 4 stars). 3 submissions from 3 submitters: Likely pathogenic (3). Last evaluated 2022-11-24.

Conditions:
ADCY5-related disorder. Also called: ADCY5-related condition.
Neurodevelopmental disorder with hyperkinetic movements and dyskinesia. Identifiers: MedGen C5562038, MONDO:0859211, OMIM 619651.

Submissions (3):

Blueprint Genetics
Classification: Likely pathogenic for ADCY5-related disorders. Last evaluated: 2022-11-24. Review status: criteria provided, single submitter. Criteria: ACMG Guidelines, 2015. Collection method: clinical testing. Allele origin: germline. Affected: yes. Observed: 1 variant allele.

Breakthrough Genomics
Classification: Likely pathogenic for Neurodevelopmental disorder with hyperkinetic movements and dyskinesia. Last evaluated: 2022-09-29. Review status: criteria provided, single submitter. Criteria: ACMG Guidelines, 2015. Collection method: clinical testing. Allele origin: germline. Affected: yes.
Comment: This variant has not been reported in literature. However, truncating variants lying in the downstream of the identified variants have been reported as pathogenic in the context of dyskinesia with orofacial involvement, autosomal dominant/recessive in the ClinVar database. Loss-of-function variants in the ADCY5 gene are known to be pathogenic [PMID: 28971144, 34631954].

GeneDx
Classification: Likely pathogenic. Last evaluated: 2019-01-24. Review status: criteria provided, single submitter. Criteria: GeneDx Variant Classification (06012015). Collection method: clinical testing. Allele origin: germline. Affected: yes.
Comment: The c.412_428del17 variant in the ADCY5 gene has not been reported previously as a pathogenic variant nor as a benign variant, to our knowledge. This variant causes a frameshift starting with codon Glycine 138, changes this amino acid to a Cysteine residue, and creates a premature Stop codon at position 184 of the new reading frame, denoted p.Gly138CysfsX184. The c.412_428del17 variant is predicted to cause loss of normal protein function either through protein truncation or nonsense-mediated mRNA decay. This variant is not observed in large population cohorts (Lek et al., 2016). We interpret c.412_428del17 as a likely pathogenic variant.

NM_183357.3(ADCY5):c.412_428del (p.Gly138fs)

Gene: ADCY5 (adenylate cyclase 5; minus strand). Cytogenetic location: 3q21.1.
Variant type: Deletion.
Coding change: c.412_428del on transcript NM_183357.3 (MANE Select); coding-DNA positions 412 to 428, 17 bases deleted (GGCTCGGCGGCGGCGGC).
Protein change: p.Gly138fs; shifts the reading frame from glycine 138.
Molecular consequence: frameshift variant.
Genome position (GRCh38, 1-based): chr3:123,448,118-123,448,134, GCCGCCGCCGCCGAGCC deleted on the plus strand (GGCTCGGCGGCGGCGGC on the coding strand, the reverse complement: ADCY5 is on the minus strand); deleting any 17 consecutive bases within chr3:123,448,118-123,448,146 gives the same sequence; the c. name uses the placement nearest the transcript's 3' end. VCF-style (leftmost placement, unchanged base first): chr3-123448117-AGCCGCCGCCGCCGAGCC-A. GRCh37 (hg19) VCF-style: chr3-123166964-AGCCGCCGCCGCCGAGCC-A.
Other names: p.Gly138CysfsTer184; c.412_428del, p.Gly138fs (NM_001378259.1); c.412_428delGGCTCGGCGGCGGCGGC (NM_183357.2); short protein forms G138fs.
Identifiers: ClinVar variation 817996 (VCV000817996.4), dbSNP rs1553751262, ClinGen allele CA915941548.
Genomic context (GRCh38, chr3:123,448,117, plus strand): 5'-CCGCTCCTCCAGACCCACCTCCACCGAGCGAGGGCGCACCTCCGTCCCGCCCGCCGAGGC[AGCCGCCGCCGCCGAGCC>A]GCCGCCGCCGCCCGCAGGGGGCGCCCGGGTGCTGCCCCCGCTGGCCGCGCCCCGCCGCTG-3'